The following is an entry in ClinVar:

NM_000492.4(CFTR):c.2389G>T (p.Ala797Ser)

Gene: CFTR (CF transmembrane conductance regulator; plus strand). Cytogenetic location: 7q31.2.
Variant type: single nucleotide variant.
Coding change: c.2389G>T on transcript NM_000492.4 (MANE Select); coding-DNA position 2389, G replaced by T.
Protein change: p.Ala797Ser; replaces alanine 797 with serine.
Molecular consequence: missense variant.
Genome position (GRCh38, 1-based): chr7:117,592,556, G>T. VCF-style: chr7-117592556-G-T. GRCh37 (hg19) VCF-style: chr7-117232610-G-T.
Other names: short protein forms A797S.
Identifiers: ClinVar variation 1928980 (VCV001928980.8), dbSNP rs2116033376, ClinGen allele CA368981109.

ClinVar aggregate classification (germline): Uncertain significance. Review status: criteria provided, multiple submitters, no conflicts (2 of 4 stars). 2 submissions from 2 submitters: Uncertain significance (2). Last evaluated 2025-12-01.

Conditions:
Cystic fibrosis (CF). Also called: MUCOVISCIDOSIS. Identifiers: Orphanet 586, MedGen C0010674, MONDO:0009061, OMIM 219700. Disease mechanism: loss of function.

Submissions (2):

Ambry Genetics
Classification: Uncertain significance for Cystic fibrosis. Last evaluated: 2025-12-01. Review status: criteria provided, single submitter. Criteria: Ambry Variant Classification Scheme 2023. Collection method: clinical testing. Allele origin: germline.
Comment: The p.A797S variant (also known as c.2389G>T), located in coding exon 14 of the CFTR gene, results from a G to T substitution at nucleotide position 2389. The alanine at codon 797 is replaced by serine, an amino acid with similar properties. This amino acid position is conserved. In addition, the in silico prediction for this alteration is inconclusive. Since supporting evidence is limited at this time, the clinical significance of this alteration remains unclear.

Labcorp Genetics (formerly Invitae), Labcorp
Classification: Uncertain significance for Cystic fibrosis. Last evaluated: 2022-05-25. Review status: criteria provided, single submitter. Criteria: Invitae Variant Classification Sherloc (09022015). Collection method: clinical testing. Allele origin: germline.
Comment: This sequence change replaces alanine, which is neutral and non-polar, with serine, which is neutral and polar, at codon 797 of the CFTR protein (p.Ala797Ser). This variant is not present in population databases (gnomAD no frequency). This variant has not been reported in the literature in individuals affected with CFTR-related conditions. Algorithms developed to predict the effect of missense changes on protein structure and function (SIFT, PolyPhen-2, Align-GVGD) all suggest that this variant is likely to be tolerated. In summary, the available evidence is currently insufficient to determine the role of this variant in disease. Therefore, it has been classified as a Variant of Uncertain Significance.